The following is an entry in ClinVar:

NM_173630.4(RTTN):c.3115C>G (p.Gln1039Glu)

Gene: RTTN (rotatin; minus strand). Cytogenetic location: 18q22.2.
Variant type: single nucleotide variant.
Coding change: c.3115C>G on transcript NM_173630.4 (MANE Select); coding-DNA position 3115, C replaced by G.
Protein change: p.Gln1039Glu; replaces glutamine 1039 with glutamic acid.
Molecular consequence: missense variant.
Genome position (GRCh38, 1-based): chr18:70,128,386, G>C on the plus strand (C>G on the coding strand, the complement: RTTN is on the minus strand). VCF-style: chr18-70128386-G-C. GRCh37 (hg19) VCF-style: chr18-67795622-G-C.
Other names: c.3115C>G (NM_173630.3); c.379C>G, p.Gln127Glu (NM_001318520.2); short protein forms Q127E, Q1039E.
Identifiers: ClinVar variation 1496584 (VCV001496584.9), dbSNP rs770836677, ClinGen allele CA8995670.

ClinVar aggregate classification (germline): Uncertain significance. Review status: criteria provided, multiple submitters, no conflicts (2 of 4 stars). 2 submissions from 2 submitters: Uncertain significance (2). Last evaluated 2024-05-12.

Conditions:
Inborn genetic diseases. Identifiers: MedGen C0950123, MeSH D030342.

Allele frequency attached by ClinVar (database versions not stated): ExAC 0.00001; gnomAD 0.00001; gnomAD exomes 0.00001; TOPMed 0.00001; 1000 Genomes Project 30x 0.00016.
gnomAD v4.1: 14 of 1,612,666 alleles (0.00087%); highest among the groups gnomAD compares: East Asian, 0.0089%; no homozygotes.

Submissions (2):

Ambry Genetics
Classification: Uncertain significance for Inborn genetic diseases. Last evaluated: 2024-05-12. Review status: criteria provided, single submitter. Criteria: Ambry Variant Classification Scheme 2023. Collection method: clinical testing. Allele origin: germline.

Labcorp Genetics (formerly Invitae), Labcorp
Classification: Uncertain significance. Last evaluated: 2022-11-08. Review status: criteria provided, single submitter. Criteria: Invitae Variant Classification Sherloc (09022015). Collection method: clinical testing. Allele origin: germline.
Comment: In summary, the available evidence is currently insufficient to determine the role of this variant in disease. Therefore, it has been classified as a Variant of Uncertain Significance. Advanced modeling of protein sequence and biophysical properties (such as structural, functional, and spatial information, amino acid conservation, physicochemical variation, residue mobility, and thermodynamic stability) performed at Invitae indicates that this missense variant is not expected to disrupt RTTN protein function. ClinVar contains an entry for this variant (Variation ID: 1496584). This variant has not been reported in the literature in individuals affected with RTTN-related conditions. This variant is present in population databases (rs770836677, gnomAD 0.007%). This sequence change replaces glutamine, which is neutral and polar, with glutamic acid, which is acidic and polar, at codon 1039 of the RTTN protein (p.Gln1039Glu).